The following is an entry in ClinVar:

ClinVar aggregate classification (germline): Uncertain significance (1 of 4 stars; one submission).

Submission:

Labcorp Genetics (formerly Invitae), Labcorp
Classification: Uncertain significance. Last evaluated: 2026-01-07. Review status: criteria provided, single submitter. Criteria: Invitae Variant Classification Sherloc (09022015). Collection method: clinical testing. Allele origin: germline.
Comment: This sequence change falls in intron 4 of the LEMD3 gene. It does not directly change the encoded amino acid sequence of the LEMD3 protein. This variant is present in population databases (no rsID available, gnomAD 0.004%). This variant has not been reported in the literature in individuals affected with LEMD3-related conditions. This variant is also known as c.1696-24_1732dup (p.Ser578Tyrfs*13). Experimental studies and prediction algorithms are not available or were not evaluated, and the functional significance of this variant is currently unknown. In summary, the available evidence is currently insufficient to determine the role of this variant in disease. Therefore, it has been classified as a Variant of Uncertain Significance.

NM_014319.5(LEMD3):c.1696-24_1732dup

Gene: LEMD3 (LEM domain containing 3; plus strand). Cytogenetic location: 12q14.3.
Variant type: Duplication.
Coding change: c.1696-24_1732dup on transcript NM_014319.5 (MANE Select); 24 bases into the intron before coding-DNA position 1696 through coding-DNA position 1732, 61 bases duplicated.
Molecular consequence: splice acceptor variant.
Genome position (GRCh38, 1-based): chr12:65,238,478-65,238,538, 61 bases duplicated. GRCh37 (hg19): chr12:65,632,258-65,632,318.
Other names: c.1693-24_1729dup (NM_001167614.2).
Identifiers: ClinVar variation 4749672 (VCV004749672.1).